The following is an entry in ClinVar:

NM_020975.6(RET):c.1441C>G (p.Leu481Val)

Gene: RET (ret proto-oncogene; plus strand). Cytogenetic location: 10q11.21.
Variant type: single nucleotide variant.
Coding change: c.1441C>G on transcript NM_020975.6 (MANE Select); coding-DNA position 1441, C replaced by G.
Protein change: p.Leu481Val; replaces leucine 481 with valine.
Molecular consequence: missense variant.
Genome position (GRCh38, 1-based): chr10:43,111,384, C>G. VCF-style: chr10-43111384-C-G. GRCh37 (hg19) VCF-style: chr10-43606832-C-G.
Other names: c.1153C>G, p.Leu385Val (NM_001406767.1, NM_001406770.1, NM_001406766.1); c.1003C>G, p.Leu335Val (NM_001406771.1, NM_001406773.1); c.1045C>G, p.Leu349Val (NM_001406769.1, NM_001406772.1); c.1312C>G, p.Leu438Val (NM_001406768.1, NM_001406761.1, NM_001406762.1 and 1 more transcripts); c.1441C>G, p.Leu481Val (NM_000323.2, NM_001406743.1, NM_001406744.1 and 6 more transcripts); c.679C>G, p.Leu227Val (NM_001355216.2); c.916C>G, p.Leu306Val (NM_001406774.1); c.715C>G, p.Leu239Val (NM_001406775.1, NM_001406776.1, NM_001406777.1 and 1 more transcripts); and 1 more; short protein forms L481V, L227V, L151V, L335V, L438V, L239V, L349V, L385V.
Identifiers: ClinVar variation 477316 (VCV000477316.18), dbSNP rs767210575, ClinGen allele CA033651.
Genomic context (GRCh38, chr10:43,111,384, plus strand): 5'-ACCTCGGGGATCCTGTTTGTGAATGACACCAAGGCCCTGCGGCGGCCCAAGTGTGCCGAA[C>G]TTCACTACATGGTGGTGGCCACCGACCAGCAGACCTCTAGGCAGGCCCAGGCCCAGCTGC-3'
Protein context (NP_066124.1, residues 471-491): KALRRPKCAE[Leu481Val]HYMVVATDQQ

ClinVar aggregate classification (germline): Conflicting classifications of pathogenicity. Review status: criteria provided, conflicting classifications (1 of 4 stars). 4 submissions from 4 submitters: Uncertain significance (1); Likely benign (2). 1 of the submissions does not count toward it. Last evaluated 2026-01-19.

Conditions:
Hereditary cancer-predisposing syndrome. Also called: Neoplastic Syndromes, Hereditary; Hereditary Cancer Syndrome; Hereditary neoplastic syndrome; Tumor predisposition. Identifiers: Orphanet 140162, MedGen C0027672, MeSH D009386, MONDO:0015356.
Multiple endocrine neoplasia, type 2 (MEN2). Identifiers: Orphanet 653, MedGen C4048306, MONDO:0019003. Disease mechanism: gain of function.
Multiple endocrine neoplasia type 2A. Also called: MULTIPLE ENDOCRINE NEOPLASIA, TYPE IIA; PTC SYNDROME; SIPPLE SYNDROME; MEN 2A; MEN-2A syndrome; Pheochromocytoma and amyloid producing medullary thyroid carcinoma. Identifiers: Orphanet 247698, Orphanet 653, MedGen C0025268, MeSH D018813, MONDO:0008234, OMIM 171400.

Allele frequency attached by ClinVar (database versions not stated): gnomAD exomes 0.00001 and 0.00005; TOPMed 0.00001; ExAC 0.00003.
gnomAD v4.1: 19 of 1,614,026 alleles (0.0012%); highest among the groups gnomAD compares: East Asian, 0.031%; no homozygotes.

Submissions (4):

Labcorp Genetics (formerly Invitae), Labcorp
Classification: Uncertain significance for Multiple endocrine neoplasia, type 2. Last evaluated: 2026-01-19. Review status: criteria provided, single submitter. Criteria: Invitae Variant Classification Sherloc (09022015). Collection method: clinical testing. Allele origin: germline.
Comment: This sequence change replaces leucine, which is neutral and non-polar, with valine, which is neutral and non-polar, at codon 481 of the RET protein (p.Leu481Val). This variant is present in population databases (rs767210575, gnomAD 0.07%). This missense change has been observed in individual(s) with medullary thyroid carcinoma (PMID: 33827484). ClinVar contains an entry for this variant (Variation ID: 477316). An algorithm developed to predict the effect of missense changes on protein structure and function (PolyPhen-2) suggests that this variant is likely to be tolerated. In summary, the available evidence is currently insufficient to determine the role of this variant in disease. Therefore, it has been classified as a Variant of Uncertain Significance.

All of Us Research Program, National Institutes of Health
Classification: Likely benign for Multiple endocrine neoplasia, type 2. Last evaluated: 2024-07-10. Review status: criteria provided, single submitter. Criteria: ACMG Guidelines, 2015. Collection method: clinical testing. Allele origin: germline. Inheritance: Autosomal dominant inheritance. Observed: 5 variant alleles, 5 heterozygotes.
Comment: This study involves interpretation of variants in research participants for the purpose of population health screening. Participant phenotype was not available at the time of variant classification. Additional details can be found in publication PMID: 35346344, PMCID: PMC8962531

Ambry Genetics
Classification: Likely benign for Hereditary cancer-predisposing syndrome. Last evaluated: 2023-10-03. Review status: criteria provided, single submitter. Criteria: Ambry Variant Classification Scheme 2023. Collection method: clinical testing. Allele origin: germline.

Counsyl
Classification: Uncertain significance for Multiple endocrine neoplasia type 2A. Last evaluated: 2018-05-15. Review status: no assertion criteria provided. Collection method: clinical testing. Allele origin: unknown. Not counted in ClinVar's aggregate classification.

Literature cited by the submitters: PubMed 33827484 (cited by Labcorp Genetics (formerly Invitae), Labcorp and Ambry Genetics); PubMed 29684080 (cited by Ambry Genetics).